The following is an entry in ClinVar:

NM_000526.5(KRT14):c.376C>G (p.Leu126Val)

Gene: KRT14 (keratin 14; minus strand). Cytogenetic location: 17q21.2.
Variant type: single nucleotide variant.
Coding change: c.376C>G on transcript NM_000526.5 (MANE Select); coding-DNA position 376, C replaced by G.
Protein change: p.Leu126Val; replaces leucine 126 with valine.
Molecular consequence: missense variant.
Genome position (GRCh38, 1-based): chr17:41,586,459, G>C on the plus strand (C>G on the coding strand, the complement: KRT14 is on the minus strand). VCF-style: chr17-41586459-G-C. GRCh37 (hg19) VCF-style: chr17-39742711-G-C.
Other names: short protein forms L126V.
Identifiers: ClinVar variation 2811999 (VCV002811999.3), dbSNP rs764842172, ClinGen allele CA399482512.

ClinVar aggregate classification (germline): Pathogenic (1 of 4 stars; one submission).

Submission:

Labcorp Genetics (formerly Invitae), Labcorp
Classification: Pathogenic. Last evaluated: 2023-01-03. Review status: criteria provided, single submitter. Criteria: Invitae Variant Classification Sherloc (09022015). Collection method: clinical testing. Allele origin: germline.
Comment: For these reasons, this variant has been classified as Pathogenic. This variant disrupts the p.Leu126 amino acid residue in KRT14. Other variant(s) that disrupt this residue have been observed in individuals with KRT14-related conditions (PMID: 32351751; Invitae), which suggests that this may be a clinically significant amino acid residue. Advanced modeling of protein sequence and biophysical properties (such as structural, functional, and spatial information, amino acid conservation, physicochemical variation, residue mobility, and thermodynamic stability) performed at Invitae indicates that this missense variant is expected to disrupt KRT14 protein function. This missense change has been observed in individual(s) with clinical features of autosomal dominant KRT14 related conditions (Invitae). In at least one individual the variant was observed to be de novo. This variant is not present in population databases (gnomAD no frequency). This sequence change replaces leucine, which is neutral and non-polar, with valine, which is neutral and non-polar, at codon 126 of the KRT14 protein (p.Leu126Val).

Literature cited by the submitters: PubMed 32351751.